The following is an entry in ClinVar:

ClinVar aggregate classification (germline): Likely pathogenic. Review status: criteria provided, multiple submitters, no conflicts (2 of 4 stars). 5 submissions from 5 submitters: Likely pathogenic (4). 1 of the submissions does not count toward it. Last evaluated 2025-10-16.

Conditions:
Alport syndrome. Also called: Hemorrhagic familial nephritis; Hemorrhagic hereditary nephritis; Congenital hereditary hematuria. Identifiers: Orphanet 63, MedGen C1567741, MONDO:0018965.
Autosomal recessive Alport syndrome (ATS2). Also called: COL4A3-Related Nephropathy; Alport syndrome type 2; ALPORT SYNDROME 2, AUTOSOMAL RECESSIVE; COL4A4 Alport Syndrome and Thin Basement Membrane Nephropathy. Identifiers: Orphanet 63, Orphanet 88919, MedGen C4746745, MONDO:0008762, OMIM 203780.
Benign familial hematuria. Also called: thin basement membrane disease. Identifiers: MedGen C0241908, MONDO:0957317.

Allele frequency attached by ClinVar (database versions not stated): gnomAD 0.00001; gnomAD exomes below 0.00001.
gnomAD v4.1: 3 of 1,613,844 alleles (0.00019%); highest among the groups gnomAD compares: African/African-American, 0.0027%; no homozygotes.

Submissions (5):

Women's Health and Genetics/Laboratory Corporation of America, LabCorp
Classification: Likely pathogenic for Autosomal recessive Alport syndrome. Last evaluated: 2025-10-16. Review status: criteria provided, single submitter. Criteria: LabCorp Variant Classification Summary - May 2015. Collection method: clinical testing. Allele origin: germline.
Comment: Variant summary: COL4A4 c.1696+1G>T is located in a canonical splice-site and is predicted to affect mRNA splicing resulting in a significantly altered protein due to either exon skipping, shortening, or inclusion of intronic material. Variants that disrupt the consensus splice site are a relatively common cause of aberrant splicing and loss of COL4A4 function. Several computational tools predict a significant impact on normal splicing: Four predict the variant abolishes a 5' splicing donor site. However, these predictions have yet to be confirmed by functional studies. The variant allele was found at a frequency of 4e-06 in 249546 control chromosomes. c.1696+1G>T has been observed in the heterozygous state in at least 2 individual(s) affected with hematuria and/or clinical features of chronic kidney disease (example, Bleyer_2022, Liu_2024). These report(s) do not provide unequivocal conclusions about association of the variant with COL4A4-related conditions. To our knowledge, no experimental evidence demonstrating an impact on protein function has been reported. The following publications have been ascertained in the context of this evaluation (PMID: 35760791, 35325889, 39540369). ClinVar contains an entry for this variant (Variation ID: 555547). Based on the evidence outlined above, the variant was classified as likely pathogenic.

Natera, Inc.
Classification: Likely pathogenic for Alport syndrome. Last evaluated: 2024-08-30. Review status: criteria provided, single submitter. Criteria: Natera Variant Classification Schema (03/2026). Collection method: clinical testing. Allele origin: germline.
Comment: The c.1696+1G>T variant in COL4A4 is a canonical splice donor site variant predicted to affect pre-mRNA splicing, which may result in an abnormal transcript and altered protein product. This variant is expected to result in nonsense mediated decay, truncation, or a dysfunctional protein product. This variant is rare in the general population with a frequency below the threshold expected for the associated phenotype(s). Given the available evidence, this variant is classified as Likely Pathogenic.

Fulgent Genetics
Classification: Likely pathogenic for Hematuria, benign familial, 1; Autosomal recessive Alport syndrome. Last evaluated: 2022-04-22. Review status: criteria provided, single submitter. Criteria: ACMG Guidelines, 2015. Collection method: clinical testing. Allele origin: unknown.

Labcorp Genetics (formerly Invitae), Labcorp
Classification: Likely pathogenic. Last evaluated: 2020-02-29. Review status: criteria provided, single submitter. Criteria: Invitae Variant Classification Sherloc (09022015). Collection method: clinical testing. Allele origin: germline.
Comment: This sequence change affects a donor splice site in intron 23 of the COL4A4 gene. It is expected to disrupt RNA splicing and likely results in an absent or disrupted protein product. This variant is not present in population databases (ExAC no frequency). This variant has not been reported in the literature in individuals with COL4A4-related conditions. ClinVar contains an entry for this variant (Variation ID: 555547). Algorithms developed to predict the effect of sequence changes on RNA splicing suggest that this variant may disrupt the consensus splice site, but this prediction has not been confirmed by published transcriptional studies. Donor and acceptor splice site variants typically lead to a loss of protein function (PMID: 16199547), and loss-of-function variants in COL4A4 are known to be pathogenic (PMID: 19129241, 21196518, 24052634, 24522496, 24854265, 25307543, 26809805, 27281700). In summary, the currently available evidence indicates that the variant is pathogenic, but additional data are needed to prove that conclusively. Therefore, this variant has been classified as Likely Pathogenic.

Counsyl
Classification: Likely pathogenic for Autosomal recessive Alport syndrome. Last evaluated: 2017-12-12. Review status: no assertion criteria provided. Collection method: clinical testing. Allele origin: unknown. Not counted in ClinVar's aggregate classification.

Literature cited by the submitters: PubMed 35325889 (cited by Women's Health and Genetics/Laboratory Corporation of America, LabCorp); PubMed 35760791 (cited by Women's Health and Genetics/Laboratory Corporation of America, LabCorp); PubMed 39540369 (cited by Women's Health and Genetics/Laboratory Corporation of America, LabCorp); PubMed 16199547 (cited by Labcorp Genetics (formerly Invitae), Labcorp); PubMed 19129241 (cited by Labcorp Genetics (formerly Invitae), Labcorp); PubMed 21196518 (cited by Labcorp Genetics (formerly Invitae), Labcorp); PubMed 24052634 (cited by Labcorp Genetics (formerly Invitae), Labcorp); PubMed 24522496 (cited by Labcorp Genetics (formerly Invitae), Labcorp); PubMed 24854265 (cited by Labcorp Genetics (formerly Invitae), Labcorp); PubMed 25307543 (cited by Labcorp Genetics (formerly Invitae), Labcorp); PubMed 26809805 (cited by Labcorp Genetics (formerly Invitae), Labcorp); PubMed 27281700 (cited by Labcorp Genetics (formerly Invitae), Labcorp).

NM_000092.5(COL4A4):c.1696+1G>T

Gene: COL4A4 (collagen type IV alpha 4 chain; minus strand). Cytogenetic location: 2q36.3.
Variant type: single nucleotide variant.
Coding change: c.1696+1G>T on transcript NM_000092.5 (MANE Select); the canonical splice donor site of the intron after coding-DNA position 1696, G replaced by T.
Molecular consequence: splice donor variant.
Genome position (GRCh38, 1-based): chr2:227,082,114, C>A on the plus strand (G>T on the coding strand, the complement: COL4A4 is on the minus strand). VCF-style: chr2-227082114-C-A. GRCh37 (hg19) VCF-style: chr2-227946830-C-A.
Identifiers: ClinVar variation 555547 (VCV000555547.14), dbSNP rs954701825, ClinGen allele CA66544893.
Genomic context (GRCh38, chr2:227,082,114, plus strand): 5'-AGAGGAGGGTCCATACATCATTCATAAAATGGCAGGGAGTTAAGTGATTGATTATGCTCA[C>A]CTTTAACTCTTGATACAACCATGTCACCCTTCGCCCCTTTGTTGCCAGGTGGTCCAGAGG-3'